The following is an entry in ClinVar:

NM_000059.4(BRCA2):c.4443G>A (p.Glu1481=)

Gene: BRCA2 (BRCA2 DNA repair associated; plus strand). Cytogenetic location: 13q13.1.
Variant type: single nucleotide variant.
Coding change: c.4443G>A on transcript NM_000059.4 (MANE Select); coding-DNA position 4443, G replaced by A.
Protein change: p.Glu1481=; no amino-acid change (glutamic acid 1481 retained).
Molecular consequence: synonymous variant.
Genome position (GRCh38, 1-based): chr13:32,338,798, G>A. VCF-style: chr13-32338798-G-A. GRCh37 (hg19) VCF-style: chr13-32912935-G-A.
Identifiers: ClinVar variation 232208 (VCV000232208.20), dbSNP rs876659618, ClinGen allele CA10579615.

ClinVar aggregate classification (germline): Likely benign. Review status: reviewed by expert panel (3 of 4 stars). 6 submissions from 6 submitters: Likely benign (1). 5 of the submissions do not count toward it. Last evaluated 2017-06-29.

Conditions:
Hereditary cancer-predisposing syndrome. Also called: Hereditary Cancer Syndrome; Neoplastic Syndromes, Hereditary; Tumor predisposition; Hereditary neoplastic syndrome. Identifiers: Orphanet 140162, MedGen C0027672, MeSH D009386, MONDO:0015356.
Breast-ovarian cancer, familial, susceptibility to, 2 (BROVCA2). Also called: BRCA2 Hereditary Breast and Ovarian Cancer. Identifiers: Orphanet 145, MedGen C2675520, MONDO:0012933, OMIM 612555. Disease mechanism: loss of function.
Hereditary breast ovarian cancer syndrome. Also called: Hereditary breast and/or ovarian cancer syndrome; BRCA1- and BRCA2-Associated Hereditary Breast and Ovarian Cancer; Hereditary breast and ovarian cancer syndrome (HBOC); Hereditary breast and ovarian cancer; Hereditary breast and ovarian cancer syndrome; Breast and ovarian cancer. Identifiers: Orphanet 145, MedGen C0677776, MeSH D061325, MONDO:0003582. Disease mechanism: loss of function.

Allele frequency attached by ClinVar (database versions not stated): gnomAD exomes below 0.00001 and 0.00001.
gnomAD v4.1: 1 of 1,613,218 alleles (0.000062%); highest among the groups gnomAD compares: Admixed American, 0.0017%; no homozygotes.

Submissions (6):

Evidence-based Network for the Interpretation of Germline Mutant Alleles (ENIGMA)
Classification: Likely benign for Breast-ovarian cancer, familial, susceptibility to, 2. Last evaluated: 2017-06-29. Review status: reviewed by expert panel. Criteria: ENIGMA BRCA1/2 Classification Criteria (2017-06-29). Collection method: curation. Allele origin: germline.
Comment: Synonymous substitution variant, with low bioinformatic likelihood to result in a splicing aberration (Splicing prior probability 0.02).

Labcorp Genetics (formerly Invitae), Labcorp
Classification: Likely benign for Hereditary breast ovarian cancer syndrome. Last evaluated: 2025-10-06. Review status: criteria provided, single submitter. Criteria: Invitae Variant Classification Sherloc (09022015). Collection method: clinical testing. Allele origin: germline. Not counted in ClinVar's aggregate classification.

All of Us Research Program, National Institutes of Health
Classification: Likely benign for Breast-ovarian cancer, familial, susceptibility to, 2. Last evaluated: 2023-04-03. Review status: criteria provided, single submitter. Criteria: ACMG Guidelines, 2015. Collection method: clinical testing. Allele origin: germline. Inheritance: Autosomal dominant inheritance. Observed: 1 variant allele, 1 heterozygote. Not counted in ClinVar's aggregate classification.
Comment: This study involves interpretation of variants in research participants for the purpose of population health screening. Participant phenotype was not available at the time of variant classification. Additional details can be found in publication PMID: 35346344, PMCID: PMC8962531

Women's Health and Genetics/Laboratory Corporation of America, LabCorp
Classification: Likely benign. Last evaluated: 2020-07-30. Review status: criteria provided, single submitter. Criteria: LabCorp Variant Classification Summary - May 2015. Collection method: clinical testing. Allele origin: germline. Not counted in ClinVar's aggregate classification.

Color Diagnostics, LLC DBA Color Health
Classification: Likely benign for Hereditary cancer-predisposing syndrome. Last evaluated: 2017-09-24. Review status: criteria provided, single submitter. Criteria: ACMG Guidelines, 2015. Collection method: clinical testing. Allele origin: germline. Not counted in ClinVar's aggregate classification.

Ambry Genetics
Classification: Likely benign for Hereditary cancer-predisposing syndrome. Last evaluated: 2015-06-07. Review status: criteria provided, single submitter. Criteria: Ambry Variant Classification Scheme 2023. Collection method: clinical testing. Allele origin: germline. Not counted in ClinVar's aggregate classification.